The following is an entry in ClinVar:

NM_030665.4(RAI1):c.5365C>T (p.Arg1789Trp)

Gene: RAI1 (retinoic acid induced 1; plus strand). Cytogenetic location: 17p11.2.
Variant type: single nucleotide variant.
Coding change: c.5365C>T on transcript NM_030665.4 (MANE Select); coding-DNA position 5365, C replaced by T.
Protein change: p.Arg1789Trp; replaces arginine 1789 with tryptophan.
Molecular consequence: missense variant.
Genome position (GRCh38, 1-based): chr17:17,798,313, C>T. VCF-style: chr17-17798313-C-T. GRCh37 (hg19) VCF-style: chr17-17701627-C-T.
Other names: c.5365C>T (NM_030665.3); short protein forms R1789W.
Identifiers: ClinVar variation 2028031 (VCV002028031.6), dbSNP rs763675754, ClinGen allele CA8419141.

ClinVar aggregate classification (germline): Uncertain significance. Review status: criteria provided, single submitter (1 of 4 stars). 2 submissions from 2 submitters: Uncertain significance (1). 1 of the submissions does not count toward it. Last evaluated 2025-06-12.

Conditions:
RAI1-related disorder. Also called: RAI1-related condition.

Allele frequency attached by ClinVar (database versions not stated): gnomAD 0.00001; TOPMed 0.00002; ExAC 0.00008.

Submissions (2):

Labcorp Genetics (formerly Invitae), Labcorp
Classification: Uncertain significance. Last evaluated: 2025-06-12. Review status: criteria provided, single submitter. Criteria: Invitae Variant Classification Sherloc (09022015). Collection method: clinical testing. Allele origin: germline.
Comment: This sequence change replaces arginine, which is basic and polar, with tryptophan, which is neutral and slightly polar, at codon 1789 of the RAI1 protein (p.Arg1789Trp). This variant is present in population databases (rs763675754, gnomAD 0.01%). This variant has not been reported in the literature in individuals affected with RAI1-related conditions. ClinVar contains an entry for this variant (Variation ID: 2028031). Invitae Evidence Modeling of protein sequence and biophysical properties (such as structural, functional, and spatial information, amino acid conservation, physicochemical variation, residue mobility, and thermodynamic stability) indicates that this missense variant is not expected to disrupt RAI1 protein function with a negative predictive value of 80%. In summary, the available evidence is currently insufficient to determine the role of this variant in disease. Therefore, it has been classified as a Variant of Uncertain Significance.

PreventionGenetics, part of Exact Sciences
Classification: Uncertain significance for RAI1-related condition. Last evaluated: 2024-02-21. Review status: no assertion criteria provided. Collection method: clinical testing. Allele origin: germline. Not counted in ClinVar's aggregate classification.
Comment: The RAI1 c.5365C>T variant is predicted to result in the amino acid substitution p.Arg1789Trp. To our knowledge, this variant has not been reported in the literature. This variant is reported in 0.013% of alleles in individuals of Latino descent in gnomAD. Although we suspect that this variant may be benign, at this time, the clinical significance of this variant is uncertain due to the absence of conclusive functional and genetic evidence.